The following is an entry in ClinVar:

ClinVar aggregate classification (germline): Uncertain significance (1 of 4 stars; one submission).

Submission:

Ambry Genetics
Classification: Uncertain significance. Last evaluated: 2025-12-27. Review status: criteria provided, single submitter. Criteria: Ambry Variant Classification Scheme 2023. Collection method: clinical testing. Allele origin: germline.
Comment: The p.R1333P variant (also known as c.3998G>C), located in coding exon 14 of the CDK12 gene, results from a G to C substitution at nucleotide position 3998. The arginine at codon 1333 is replaced by proline, an amino acid with dissimilar properties. This amino acid position is conserved. In addition, this alteration is predicted to be tolerated by in silico analysis. Based on the available evidence, the clinical significance of this variant remains unclear.

NM_016507.4(CDK12):c.3998G>C (p.Arg1333Pro)

Gene: CDK12 (cyclin dependent kinase 12; plus strand). Cytogenetic location: 17q12.
Variant type: single nucleotide variant.
Coding change: c.3998G>C on transcript NM_016507.4 (MANE Select); coding-DNA position 3998, G replaced by C.
Protein change: p.Arg1333Pro; replaces arginine 1333 with proline.
Molecular consequence: missense variant.
Genome position (GRCh38, 1-based): chr17:39,530,841, G>C. VCF-style: chr17-39530841-G-C. GRCh37 (hg19) VCF-style: chr17-37687094-G-C.
Other names: c.3971G>C, p.Arg1324Pro (NM_015083.4); short protein forms R1324P, R1333P.
Identifiers: ClinVar variation 4841689 (VCV004841689.1).